The following is an entry in ClinVar:

NM_000552.5(VWF):c.2546G>T (p.Cys849Phe)

Gene: VWF (von Willebrand factor; minus strand). Cytogenetic location: 12p13.31.
Variant type: single nucleotide variant.
Coding change: c.2546G>T on transcript NM_000552.5 (MANE Select); coding-DNA position 2546, G replaced by T.
Protein change: p.Cys849Phe; replaces cysteine 849 with phenylalanine.
Molecular consequence: missense variant.
Genome position (GRCh38, 1-based): chr12:6,036,388, C>A on the plus strand (G>T on the coding strand, the complement: VWF is on the minus strand). VCF-style: chr12-6036388-C-A. GRCh37 (hg19) VCF-style: chr12-6145554-C-A.
Other names: short protein forms C849F.
Identifiers: ClinVar variation 3383989 (VCV003383989.1).
Genomic context (GRCh38, chr12:6,036,388, plus strand): 5'-TGCACCCTCACTCCACCCGCAGGGCCTGGGTCCCCGGCGCAGCCCCTCACTGAGCCTCAC[C>A]AAGTGTTGCAGCCAATCTTCACTGTTTCTCCAGGGGCATACTCCTTGCCCTGATGGAAGC-3'
Protein context (NP_000543.3, residues 839-859): GETVKIGCNT[Cys849Phe]VCQDRKWNCT

ClinVar aggregate classification (germline): Likely pathogenic (1 of 4 stars; one submission).

Conditions:
Hereditary von Willebrand disease. Identifiers: Orphanet 903, MedGen C5703318, MONDO:0019565. Inheritance: Autosomal recessive or Autosomal dominant.

gnomAD v4.1: 5 of 1,614,150 alleles (0.00031%); highest among the groups gnomAD compares: South Asian, 0.0055%; no homozygotes.

Submission:

Dubai Health Genomic Medicine Center, Dubai Health
Classification: Likely pathogenic for von Willebrand disease. Last evaluated: 2024-10-04. Review status: criteria provided, single submitter. Criteria: ACMG Guidelines, 2015. Collection method: research. Allele origin: germline. Affected: yes.
Comment: PP2,PP3,PM2,PM5